The following is an entry in ClinVar:

ClinVar aggregate classification (germline): Uncertain significance. Review status: criteria provided, multiple submitters, no conflicts (2 of 4 stars). 3 submissions from 3 submitters: Uncertain significance (3). Last evaluated 2023-11-03.

Conditions:
Familial adenomatous polyposis 3. Also called: NTHL1-Related Adenomatous Polyposis and Colorectal Cancer; NTHL1 Tumor Syndrome; NTHL1-associated polyposis; NTHL1-related attenuated familial adenomatous polyposis. Identifiers: Orphanet 220460, Orphanet 454840, MedGen C4225157, MONDO:0014630, OMIM 616415.
Hereditary cancer-predisposing syndrome. Also called: Tumor predisposition; Hereditary Cancer Syndrome; Neoplastic Syndromes, Hereditary; Hereditary neoplastic syndrome. Identifiers: Orphanet 140162, MedGen C0027672, MeSH D009386, MONDO:0015356.

Allele frequency attached by ClinVar (database versions not stated): gnomAD exomes below 0.00001; TOPMed below 0.00001.
gnomAD v4.1: 3 of 1,609,494 alleles (0.00019%); highest among the groups gnomAD compares: South Asian, 0.0011%; no homozygotes.

Submissions (3):

Baylor Genetics
Classification: Uncertain significance for Familial adenomatous polyposis 3. Last evaluated: 2023-11-03. Review status: criteria provided, single submitter. Criteria: ACMG Guidelines, 2015. Collection method: clinical testing. Allele origin: unknown.

Ambry Genetics
Classification: Uncertain significance for Hereditary cancer-predisposing syndrome. Last evaluated: 2023-07-10. Review status: criteria provided, single submitter. Criteria: Ambry Variant Classification Scheme 2023. Collection method: clinical testing. Allele origin: germline.
Comment: The p.G173S variant (also known as c.517G>A), located in coding exon 3 of the NTHL1 gene, results from a G to A substitution at nucleotide position 517. The glycine at codon 173 is replaced by serine, an amino acid with similar properties. This alteration was identified in an individual diagnosed with breast cancer (Li N et al. NPJ Breast Cancer, 2021 May;7:52). This amino acid position is highly conserved in available vertebrate species. In addition, the in silico prediction for this alteration is inconclusive. Since supporting evidence is limited at this time, the clinical significance of this alteration remains unclear.

Labcorp Genetics (formerly Invitae), Labcorp
Classification: Uncertain significance. Last evaluated: 2022-07-25. Review status: criteria provided, single submitter. Criteria: Invitae Variant Classification Sherloc (09022015). Collection method: clinical testing. Allele origin: germline.
Comment: In summary, the available evidence is currently insufficient to determine the role of this variant in disease. Therefore, it has been classified as a Variant of Uncertain Significance. Algorithms developed to predict the effect of missense changes on protein structure and function are either unavailable or do not agree on the potential impact of this missense change (SIFT: "Not Available"; PolyPhen-2: "Benign"; Align-GVGD: "Not Available"). This variant is not present in population databases (gnomAD no frequency). ClinVar contains an entry for this variant (Variation ID: 970591). This variant has not been reported in the literature in individuals affected with NTHL1-related conditions. This sequence change replaces glycine, which is neutral and non-polar, with serine, which is neutral and polar, at codon 173 of the NTHL1 protein (p.Gly173Ser).

Literature cited by the submitters: PubMed 33980861 (cited by Ambry Genetics).

NM_002528.7(NTHL1):c.493G>A (p.Gly165Ser)

Gene: NTHL1 (nth like DNA glycosylase 1; minus strand). Cytogenetic location: 16p13.3.
Variant type: single nucleotide variant.
Coding change: c.493G>A on transcript NM_002528.7 (MANE Select); coding-DNA position 493, G replaced by A.
Protein change: p.Gly165Ser; replaces glycine 165 with serine.
Molecular consequence: missense variant. On other transcripts: intron variant (1).
Genome position (GRCh38, 1-based): chr16:2,044,662, C>T on the plus strand (G>A on the coding strand, the complement: NTHL1 is on the minus strand). VCF-style: chr16-2044662-C-T. GRCh37 (hg19) VCF-style: chr16-2094663-C-T.
Other names: c.163G>A, p.Gly55Ser (NM_001318194.2); c.355-936G>A (NM_001318193.2); c.517G>A (NM_002528.5); short protein forms G165S, G55S.
Identifiers: ClinVar variation 970591 (VCV000970591.13), dbSNP rs2084316789, ClinGen allele CA394294142.